The following is an entry in ClinVar:

ClinVar aggregate classification (germline): Uncertain significance. Review status: criteria provided, multiple submitters, no conflicts (2 of 4 stars). 2 submissions from 2 submitters: Uncertain significance (2). Last evaluated 2024-01-17.

Conditions:
Hereditary cancer-predisposing syndrome. Also called: Neoplastic Syndromes, Hereditary; Tumor predisposition; Hereditary Cancer Syndrome; Hereditary neoplastic syndrome. Identifiers: Orphanet 140162, MedGen C0027672, MeSH D009386, MONDO:0015356.

Submissions (2):

Labcorp Genetics (formerly Invitae), Labcorp
Classification: Uncertain significance. Last evaluated: 2024-01-17. Review status: criteria provided, single submitter. Criteria: Invitae Variant Classification Sherloc (09022015). Collection method: clinical testing. Allele origin: germline.
Comment: This sequence change replaces leucine, which is neutral and non-polar, with glutamine, which is neutral and polar, at codon 281 of the POLE protein (p.Leu281Gln). This variant is not present in population databases (gnomAD no frequency). This variant has not been reported in the literature in individuals affected with POLE-related conditions. ClinVar contains an entry for this variant (Variation ID: 1763352). Advanced modeling of protein sequence and biophysical properties (such as structural, functional, and spatial information, amino acid conservation, physicochemical variation, residue mobility, and thermodynamic stability) performed at Invitae indicates that this missense variant is not expected to disrupt POLE protein function with a negative predictive value of 80%. In summary, the available evidence is currently insufficient to determine the role of this variant in disease. Therefore, it has been classified as a Variant of Uncertain Significance.

Ambry Genetics
Classification: Uncertain significance for Hereditary cancer-predisposing syndrome. Last evaluated: 2021-12-11. Review status: criteria provided, single submitter. Criteria: Ambry Variant Classification Scheme 2023. Collection method: clinical testing. Allele origin: germline.
Comment: The p.L281Q variant (also known as c.842T>A), located in coding exon 9 of the POLE gene, results from a T to A substitution at nucleotide position 842. The leucine at codon 281 is replaced by glutamine, an amino acid with dissimilar properties. This amino acid position is conserved. In addition, the in silico prediction for this alteration is inconclusive. Since supporting evidence is limited at this time, the clinical significance of this alteration remains unclear.

NM_006231.4(POLE):c.842T>A (p.Leu281Gln)

Gene: POLE (DNA polymerase epsilon, catalytic subunit; minus strand). Cytogenetic location: 12q24.33.
Variant type: single nucleotide variant.
Coding change: c.842T>A on transcript NM_006231.4 (MANE Select); coding-DNA position 842, T replaced by A.
Protein change: p.Leu281Gln; replaces leucine 281 with glutamine.
Molecular consequence: missense variant.
Genome position (GRCh38, 1-based): chr12:132,676,613, A>T on the plus strand (T>A on the coding strand, the complement: POLE is on the minus strand). VCF-style: chr12-132676613-A-T. GRCh37 (hg19) VCF-style: chr12-133253199-A-T.
Other names: short protein forms L281Q.
Identifiers: ClinVar variation 1763352 (VCV001763352.5), dbSNP rs1555229430, ClinGen allele CA387364305.